The following is an entry in ClinVar:

ClinVar aggregate classification (germline): Uncertain significance (1 of 4 stars; one submission).

Conditions:
Holoprosencephaly 5 (HPE5). Identifiers: Orphanet 2162, MedGen C1864827, MONDO:0012322, OMIM 609637.

Submission:

Labcorp Genetics (formerly Invitae), Labcorp
Classification: Uncertain significance for Holoprosencephaly 5. Last evaluated: 2025-10-01. Review status: criteria provided, single submitter. Criteria: Invitae Variant Classification Sherloc (09022015). Collection method: clinical testing. Allele origin: germline.
Comment: This variant, c.1377_1403del, results in the deletion of 9 amino acid(s) of the ZIC2 protein (p.Ala462_Ala470del), but otherwise preserves the integrity of the reading frame. The frequency data for this variant in the population databases is considered unreliable, as metrics indicate poor data quality at this position in the gnomAD database. This variant has not been reported in the literature in individuals affected with ZIC2-related conditions. This variant disrupts a region of the ZIC2 protein in which other variant(s) (p.Ala466_Ala470del) have been observed in individuals with ZIC2-related conditions (PMID: 32022405). This suggests that this is a clinically significant region of the protein, and that variants that disrupt it are likely to be disease-causing. In summary, the available evidence is currently insufficient to determine the role of this variant in disease. Therefore, it has been classified as a Variant of Uncertain Significance.

Literature cited by the submitters: PubMed 32022405.

NM_007129.5(ZIC2):c.1377_1403del (p.Ala462_Ala470del)

Genes: ZIC2 (Zic family zinc finger 2; plus strand), LOC110008580 (Zic family member 2 polyalanine repeat instability region; plus strand). Cytogenetic location: 13q32.3.
Variant type: Deletion.
Coding change: c.1377_1403del on transcript NM_007129.5 (MANE Select); coding-DNA positions 1377 to 1403, 27 bases deleted (AGCGGCGGCGGCGGCTGCGGCGGCGGC).
Protein change: p.Ala462_Ala470del.
Genome position (GRCh38, 1-based): chr13:99,985,460-99,985,486, AGCGGCGGCGGCGGCTGCGGCGGCGGC deleted; deleting any 27 consecutive bases within chr13:99,985,449-99,985,486 gives the same sequence; the c. name uses the placement nearest the transcript's 3' end. VCF-style (leftmost placement, unchanged base first): chr13-99985448-AGCGGCGGCGGCAGCGGCGGCGGCGGCT-A. GRCh37 (hg19) VCF-style: chr13-100637702-AGCGGCGGCGGCAGCGGCGGCGGCGGCT-A.
Identifiers: ClinVar variation 4798387 (VCV004798387.1).
Genomic context (GRCh38, chr13:99,985,448, plus strand): 5'-CACGCCCCCGGGGCTGGTGTCCCCCAGCGCCGAGCCCCAGAGCAGCTCCAACCTGTCCCC[AGCGGCGGCGGCAGCGGCGGCGGCGGCT>A]GCGGCGGCGGCGGCCGCGGTGTCCGCGGTGCACCGGGGCGGAGGCTCGGGCAGTGGCGGC-3'